The following is an entry in ClinVar:

NM_004366.6(CLCN2):c.1709G>A (p.Trp570Ter)

Gene: CLCN2 (chloride voltage-gated channel 2; minus strand). Cytogenetic location: 3q27.1.
Variant type: single nucleotide variant.
Coding change: c.1709G>A on transcript NM_004366.6 (MANE Select); coding-DNA position 1709, G replaced by A.
Protein change: p.Trp570Ter; replaces tryptophan 570 with a stop codon.
Molecular consequence: nonsense.
Genome position (GRCh38, 1-based): chr3:184,354,113, C>T on the plus strand (G>A on the coding strand, the complement: CLCN2 is on the minus strand). VCF-style: chr3-184354113-C-T. GRCh37 (hg19) VCF-style: chr3-184071901-C-T.
Other names: c.1658G>A, p.Trp553Ter (NM_001171087.3); c.1577G>A, p.Trp526Ter (NM_001171088.3); c.1709G>A, p.Trp570Ter (NM_001171089.3); short protein forms W570*, W553*, W526*.
Identifiers: ClinVar variation 100629 (VCV000100629.37), dbSNP rs201330912, ClinGen allele CA345444.

ClinVar aggregate classification (germline): Pathogenic/Likely pathogenic. Review status: criteria provided, multiple submitters, no conflicts (2 of 4 stars). 12 submissions from 12 submitters: Pathogenic (8); Likely pathogenic (1). 3 of the submissions do not count toward it. Last evaluated 2025-07-29.

Conditions:
Familial hyperaldosteronism type II. Also called: FH II. Identifiers: Orphanet 404, MedGen C1854107, MONDO:0011576, OMIM 605635.
Epilepsy, idiopathic generalized, susceptibility to, 11 (EIG11). Identifiers: Orphanet 307, MedGen C2750893, MONDO:0011875, OMIM 607628.
Leukoencephalopathy with mild cerebellar ataxia and white matter edema (LKPAT). Also called: Leukoencephalopathy with ataxia; Leukoencephalopathy with white matter edema; Brain white matter edema; CLCN2-Related Leukoencephalopathy. Identifiers: Orphanet 363540, MedGen C4554120, MONDO:0014292, OMIM 615651. Disease mechanism: loss of function.
CLCN2-related disorder. Also called: CLCN2-related condition; CLCN2-related disorders.

Allele frequency attached by ClinVar (database versions not stated): gnomAD 0.00002 and 0.00001; gnomAD exomes 0.00002; TOPMed 0.00002; ExAC 0.00003; ESP Exome Variant Server 0.00008.
gnomAD v4.1: 31 of 1,612,056 alleles (0.0019%); highest among the groups gnomAD compares: Admixed American, 0.0084%; no homozygotes.

Submissions (12):

GeneDx
Classification: Pathogenic. Last evaluated: 2025-07-29. Review status: criteria provided, single submitter. Criteria: GeneDx Variant Classification Process June 2021. Collection method: clinical testing. Allele origin: germline. Affected: yes.
Comment: Published functional studies demonstrate a damaging effect leading to decreased protein expression and abnormal protein localization (PMID: 23707145); Nonsense variant predicted to result in protein truncation or nonsense mediated decay in a gene for which loss of function is a known mechanism of disease; This variant is associated with the following publications: (PMID: 21703448, 23707145, 31589614, 25525159, 36583195, 25339907, 36565320, 23632988, 38785530, 36879630, 38173802)

Labcorp Genetics (formerly Invitae), Labcorp
Classification: Pathogenic. Last evaluated: 2025-03-31. Review status: criteria provided, single submitter. Criteria: Invitae Variant Classification Sherloc (09022015). Collection method: clinical testing. Allele origin: germline.
Comment: This sequence change creates a premature translational stop signal (p.Trp570*) in the CLCN2 gene. It is expected to result in an absent or disrupted protein product. Loss-of-function variants in CLCN2 are known to be pathogenic (PMID: 23707145). This variant is present in population databases (rs201330912, gnomAD 0.009%). This premature translational stop signal has been observed in individual(s) with epilepsy (PMID: 21703448). ClinVar contains an entry for this variant (Variation ID: 100629). For these reasons, this variant has been classified as Pathogenic.

PreventionGenetics, part of Exact Sciences
Classification: Pathogenic for CLCN2-related condition. Last evaluated: 2024-10-14. Review status: criteria provided, single submitter. Criteria: ACMG Guidelines, 2015. Collection method: clinical testing. Allele origin: germline.
Comment: The CLCN2 c.1709G>A variant is predicted to result in premature protein termination (p.Trp570*). This variant was reported in the homozygous state in two individuals with leukoencephalopathy (Depienne et al. 2013. PubMed ID: 23707145). This variant was also documented in an epilepsy cohort, although detailed clinical information was not available  (Table S2, Klassen et al. 2011. PubMed ID: 21703448). Functional studies showed that this variant resulted in reduced expression via nonsense-mediated decay. Additionally, the transient expression of the truncated protein showed an aberrant subcellular localization (Figures S3 and S4, Depienne et al. 2013. PubMed ID: 23707145). This variant is reported in 0.0085% of alleles in individuals of Latino descent in gnomAD. Nonsense variants in CLCN2 are expected to be pathogenic. This variant is interpreted as pathogenic.

Blueprint Genetics
Classification: Pathogenic for CLCN2-related disorders. Last evaluated: 2024-06-26. Review status: criteria provided, single submitter. Criteria: ACMG Guidelines, 2015. Collection method: clinical testing. Allele origin: germline. Affected: yes. Observed: 4 variant alleles.

Women's Health and Genetics/Laboratory Corporation of America, LabCorp
Classification: Pathogenic for CLCN2-Related Disorders. Last evaluated: 2024-05-07. Review status: criteria provided, single submitter. Criteria: LabCorp Variant Classification Summary - May 2015. Collection method: clinical testing. Allele origin: germline.
Comment: Variant summary: CLCN2 c.1709G>A (p.Trp570X) results in a premature termination codon, predicted to cause a truncation of the encoded protein or absence of the protein due to nonsense mediated decay, which are commonly known mechanisms for disease. The variant allele was found at a frequency of 2e-05 in 250326 control chromosomes. c.1709G>A has been reported in the literature in two unrelated homozygous individuals affected with leukoencephalopathy (Depienne_2013) and in patients with epilepsy (Klassen_2011). This publication also reported experimental evidence and demonstrated decreased mRNA levels in patient derived fibroblasts, consistent with an incomplete nonsense-mediated mRNA decay; in addition, the truncated protein, when expressed in transiently transfected COS7 cells, had an aberrant subcellular localization (Depienne_2013). ClinVar contains an entry for this variant (Variation ID: 100629). Based on the evidence outlined above, the variant was classified as pathogenic.

Baylor Genetics
Classification: Pathogenic for Epilepsy, idiopathic generalized, susceptibility to, 11. Last evaluated: 2023-09-29. Review status: criteria provided, single submitter. Criteria: ACMG Guidelines, 2015. Collection method: clinical testing. Allele origin: unknown.

Fulgent Genetics
Classification: Likely pathogenic for Familial hyperaldosteronism type II; Epilepsy, idiopathic generalized, susceptibility to, 11; Leukoencephalopathy with mild cerebellar ataxia and white matter edema. Last evaluated: 2021-10-05. Review status: criteria provided, single submitter. Criteria: ACMG Guidelines, 2015. Collection method: clinical testing. Allele origin: unknown.

Revvity Omics, Revvity
Classification: Pathogenic. Last evaluated: 2021-06-16. Review status: criteria provided, single submitter. Criteria: ACMG Guidelines, 2015. Collection method: clinical testing. Allele origin: germline.

Mendelics
Classification: Pathogenic for Leukoencephalopathy with mild cerebellar ataxia and white matter edema. Last evaluated: 2019-05-28. Review status: criteria provided, single submitter. Criteria: Mendelics Assertion Criteria 2017. Collection method: clinical testing. Allele origin: unknown.

Clinical Laboratory Sciences Program (CLSP), King Saud bin Abdulaziz University for Health Sciences (KSAU-HS)
Classification: Pathogenic for Epilepsy, idiopathic generalized, susceptibility to, 11. Last evaluated: 2023-04-01. Review status: no assertion criteria provided. Collection method: clinical testing. Allele origin: germline. Affected: yes. Not counted in ClinVar's aggregate classification.

OMIM
Classification: Pathogenic for LEUKOENCEPHALOPATHY WITH ATAXIA. Last evaluated: 2013-07-01. Review status: no assertion criteria provided. Collection method: literature only. Allele origin: germline. Not counted in ClinVar's aggregate classification.

GeneReviews
No classification provided. Condition: Leukoencephalopathy with mild cerebellar ataxia and white matter edema. Review status: no classification provided. Collection method: literature only. Allele origin: germline. Affected: yes. Not counted in ClinVar's aggregate classification.

Literature cited by the submitters: PubMed 23707145 (cited by 4 submitters); PubMed 21703448 (cited by 3 submitters); PubMed 32906206 (cited by Women's Health and Genetics/Laboratory Corporation of America, LabCorp); PubMed 31589614 (cited by Women's Health and Genetics/Laboratory Corporation of America, LabCorp); NCBI Bookshelf NBK326661 (cited by GeneReviews).